The following is an entry in ClinVar:

NM_001113378.2(FANCI):c.2299A>G (p.Arg767Gly)

Gene: FANCI (FA complementation group I; plus strand). Cytogenetic location: 15q26.1.
Variant type: single nucleotide variant.
Coding change: c.2299A>G on transcript NM_001113378.2 (MANE Select); coding-DNA position 2299, A replaced by G.
Protein change: p.Arg767Gly; replaces arginine 767 with glycine.
Molecular consequence: missense variant.
Genome position (GRCh38, 1-based): chr15:89,293,840, A>G. VCF-style: chr15-89293840-A-G. GRCh37 (hg19) VCF-style: chr15-89837071-A-G.
Other names: c.2020A>G, p.Arg674Gly (NM_001376910.1); c.2299A>G, p.Arg767Gly (NM_001376911.1, NM_018193.3); short protein forms R674G, R767G.
Identifiers: ClinVar variation 1722017 (VCV001722017.4), dbSNP rs2507439314, ClinGen allele CA393749997.
Genomic context (GRCh38, chr15:89,293,840, plus strand): 5'-AACCACAATATTCTGATGTTTGTCCTTAGCGGTCTCTTTTTTGTTTTTTACAGTAAGAAT[A>G]GGTTTGAGGACATTCTGAGCTTATTTATGTGTTACAAAAAACTCTCTGACATTCTTAATG-3'
Protein context (NP_001106849.1, residues 757-777): NFSISSFSKN[Arg767Gly]FEDILSLFMC

ClinVar aggregate classification (germline): Uncertain significance (1 of 4 stars; one submission).

Conditions:
Fanconi anemia (FA). Also called: Fanconi's anemia. Identifiers: Orphanet 84, MedGen C0015625, MeSH D005199, MONDO:0019391.

Submission:

Labcorp Genetics (formerly Invitae), Labcorp
Classification: Uncertain significance for Fanconi anemia. Last evaluated: 2024-05-06. Review status: criteria provided, single submitter. Criteria: Invitae Variant Classification Sherloc (09022015). Collection method: clinical testing. Allele origin: germline.
Comment: This sequence change replaces arginine, which is basic and polar, with glycine, which is neutral and non-polar, at codon 767 of the FANCI protein (p.Arg767Gly). This variant is not present in population databases (gnomAD no frequency). This variant has not been reported in the literature in individuals affected with FANCI-related conditions. ClinVar contains an entry for this variant (Variation ID: 1722017). Advanced modeling of protein sequence and biophysical properties (such as structural, functional, and spatial information, amino acid conservation, physicochemical variation, residue mobility, and thermodynamic stability) performed at Invitae indicates that this missense variant is not expected to disrupt FANCI protein function with a negative predictive value of 80%. In summary, the available evidence is currently insufficient to determine the role of this variant in disease. Therefore, it has been classified as a Variant of Uncertain Significance.